The following is an entry in ClinVar:

ClinVar aggregate classification (germline): Uncertain significance (1 of 4 stars; one submission).

Submission:

Labcorp Genetics (formerly Invitae), Labcorp
Classification: Uncertain significance. Last evaluated: 2024-01-10. Review status: criteria provided, single submitter. Criteria: Invitae Variant Classification Sherloc (09022015). Collection method: clinical testing. Allele origin: germline.
Comment: This sequence change replaces arginine, which is basic and polar, with proline, which is neutral and non-polar, at codon 439 of the TNFAIP3 protein (p.Arg439Pro). This variant is present in population databases (rs755138189, gnomAD 0.003%). This variant has not been reported in the literature in individuals affected with TNFAIP3-related conditions. ClinVar contains an entry for this variant (Variation ID: 2187167). Advanced modeling of protein sequence and biophysical properties (such as structural, functional, and spatial information, amino acid conservation, physicochemical variation, residue mobility, and thermodynamic stability) performed at Invitae indicates that this missense variant is not expected to disrupt TNFAIP3 protein function with a negative predictive value of 80%. In summary, the available evidence is currently insufficient to determine the role of this variant in disease. Therefore, it has been classified as a Variant of Uncertain Significance.

NM_001270508.2(TNFAIP3):c.1316G>C (p.Arg439Pro)

Gene: TNFAIP3 (TNF alpha induced protein 3; plus strand). Cytogenetic location: 6q23.3.
Variant type: single nucleotide variant.
Coding change: c.1316G>C on transcript NM_001270508.2 (MANE Select); coding-DNA position 1316, G replaced by C.
Protein change: p.Arg439Pro; replaces arginine 439 with proline.
Molecular consequence: missense variant.
Genome position (GRCh38, 1-based): chr6:137,878,761, G>C. VCF-style: chr6-137878761-G-C. GRCh37 (hg19) VCF-style: chr6-138199898-G-C.
Other names: c.1316G>C, p.Arg439Pro (NM_001270507.2, NM_006290.4); short protein forms R439P.
Identifiers: ClinVar variation 2187167 (VCV002187167.4), dbSNP rs755138189, ClinGen allele CA4019615.